The following is an entry in ClinVar:

ClinVar aggregate classification (germline): Conflicting classifications of pathogenicity. Review status: criteria provided, conflicting classifications (1 of 4 stars). 5 submissions from 5 submitters: Uncertain significance (4); Likely benign (1). Last evaluated 2026-01-18.

Conditions:
MYO7A-related disorder. Also called: MYO7A-related disorders.

Allele frequency attached by ClinVar (database versions not stated): gnomAD exomes 0.00005; ExAC 0.00007; gnomAD 0.00007; TOPMed 0.00011; 1000 Genomes Project 0.00020; 1000 Genomes Project 30x 0.00031.
gnomAD v4.1: 79 of 1,550,600 alleles (0.0051%); highest among the groups gnomAD compares: East Asian, 0.082%; no homozygotes.

Submissions (5):

Labcorp Genetics (formerly Invitae), Labcorp
Classification: Likely benign. Last evaluated: 2026-01-18. Review status: criteria provided, single submitter. Criteria: Invitae Variant Classification Sherloc (09022015). Collection method: clinical testing. Allele origin: germline.

Women's Health and Genetics/Laboratory Corporation of America, LabCorp
Classification: Uncertain significance. Last evaluated: 2025-10-29. Review status: criteria provided, single submitter. Criteria: LabCorp Variant Classification Summary - May 2015. Collection method: clinical testing. Allele origin: germline.
Comment: Variant summary: MYO7A c.2405G>A (p.Arg802His) results in a non-conservative amino acid change in the encoded protein sequence. Algorithms developed to predict the effect of missense changes on protein structure and function all suggest that this variant is likely to be disruptive. The variant allele was found at a frequency of 0.00012 in 149544 control chromosomes. This frequency is not significantly higher than estimated for disease-causing variants in MYO7A, allowing no conclusion about variant significance. To our knowledge, no occurrence of c.2405G>A in individuals affected with MYO7A-related conditions and no experimental evidence demonstrating its impact on protein function have been reported. ClinVar contains an entry for this variant (Variation ID: 2066931). Based on the evidence outlined above, the variant was classified as uncertain significance.

PreventionGenetics, part of Exact Sciences
Classification: Uncertain significance for MYO7A-related condition. Last evaluated: 2025-10-21. Review status: criteria provided, single submitter. Criteria: ACMG Guidelines, 2015. Collection method: clinical testing. Allele origin: germline.
Comment: The MYO7A c.2405G>A variant is predicted to result in the amino acid substitution p.Arg802His. To our knowledge, this variant has not been reported in the literature. This variant is reported in 0.079% of alleles in individuals of East Asian descent in gnomAD, which may be too frequent to be a primary cause of disease. Although we suspect that this variant may be benign, at this time, the clinical significance of this variant is uncertain due to the absence of conclusive functional and genetic evidence.

Blueprint Genetics
Classification: Uncertain significance. Last evaluated: 2023-07-04. Review status: criteria provided, single submitter. Criteria: ACMG Guidelines, 2015. Collection method: clinical testing. Allele origin: germline.

GeneDx
Classification: Uncertain significance. Last evaluated: 2023-02-02. Review status: criteria provided, single submitter. Criteria: GeneDx Variant Classification Process June 2021. Collection method: clinical testing. Allele origin: germline. Affected: yes.
Comment: In silico analysis supports that this missense variant has a deleterious effect on protein structure/function; Has not been previously published as pathogenic or benign to our knowledge

NM_000260.4(MYO7A):c.2405G>A (p.Arg802His)

Gene: MYO7A (myosin VIIA; plus strand). Cytogenetic location: 11q13.5.
Variant type: single nucleotide variant.
Coding change: c.2405G>A on transcript NM_000260.4 (MANE Select); coding-DNA position 2405, G replaced by A.
Protein change: p.Arg802His; replaces arginine 802 with histidine.
Molecular consequence: missense variant.
Genome position (GRCh38, 1-based): chr11:77,179,772, G>A. VCF-style: chr11-77179772-G-A. GRCh37 (hg19) VCF-style: chr11-76890818-G-A.
Other names: c.2405G>A, p.Arg802His (NM_001127180.2); c.2372G>A, p.Arg791His (NM_001369365.1); c.2405G>A (NM_000260.3); short protein forms R791H, R802H.
Identifiers: ClinVar variation 2066931 (VCV002066931.8), dbSNP rs542110883, ClinGen allele CA6197835.